The following is an entry in ClinVar:

NM_001077350.3(NPRL3):c.945dup (p.Leu316fs)

Genes: HBA-LCR (alpha-globin locus control region; plus strand), NPRL3 (NPR3 like, GATOR1 complex subunit; minus strand). Cytogenetic location: 16p13.3.
Variant type: Duplication.
Coding change: c.945dup on transcript NM_001077350.3 (MANE Select); coding-DNA position 945, one base duplicated (T; older notation c.945dupT).
Protein change: p.Leu316fs; shifts the reading frame from leucine 316.
Molecular consequence: frameshift variant.
Genome position (GRCh38, 1-based): chr16:93,305, A duplicated on the plus strand (T on the coding strand, the reverse complement: NPRL3 is on the minus strand). VCF-style (leftmost placement, unchanged base first): chr16-93304-G-GA. GRCh37 (hg19) VCF-style: chr16-143302-G-GA.
Other names: c.408dup, p.Leu137fs (NM_001039476.3); c.711dup, p.Leu238fs (NM_001243247.2); c.870dup, p.Leu291fs (NM_001243248.2, NM_001243249.2); short protein forms L137fs, L238fs, L291fs, L316fs.
Identifiers: ClinVar variation 4291875 (VCV004291875.1).

ClinVar aggregate classification (germline): Likely pathogenic (1 of 4 stars; one submission).

Conditions:
Epilepsy, familial focal, with variable foci 3 (FFEVF3). Identifiers: MedGen C4310708, MONDO:0014925, OMIM 617118.

Submission:

3billion
Classification: Likely pathogenic for Epilepsy, familial focal, with variable foci 3. Last evaluated: 2024-09-09. Review status: criteria provided, single submitter. Criteria: ACMG Guidelines, 2015. Collection method: clinical testing. Allele origin: germline. Affected: yes.
Comment: The variant is not observed in the gnomAD v4.0.0 dataset. Predicted Consequence/Location: Frameshift: predicted to result in a loss or disruption of normal protein function through nonsense-mediated decay (NMD) or protein truncation. Multiple pathogenic variants are reported downstream of the variant. Therefore, this variant is classified as Likely pathogenic according to the recommendation of ACMG/AMP guideline.